The following is an entry in ClinVar:

NM_017780.4(CHD7):c.8953G>T (p.Asp2985Tyr)

Gene: CHD7 (chromodomain helicase DNA binding protein 7; plus strand). Cytogenetic location: 8q12.2.
Variant type: single nucleotide variant.
Coding change: c.8953G>T on transcript NM_017780.4 (MANE Select); coding-DNA position 8953, G replaced by T.
Protein change: p.Asp2985Tyr; replaces aspartic acid 2985 with tyrosine.
Molecular consequence: missense variant.
Genome position (GRCh38, 1-based): chr8:60,865,892, G>T. VCF-style: chr8-60865892-G-T. GRCh37 (hg19) VCF-style: chr8-61778451-G-T.
Other names: c.2806G>T, p.Asp936Tyr (NM_001316690.1); short protein forms D936Y, D2985Y.
Identifiers: ClinVar variation 2838517 (VCV002838517.3), dbSNP rs2488155549, ClinGen allele CA371313442.

ClinVar aggregate classification (germline): Uncertain significance (1 of 4 stars; one submission).

Conditions:
CHARGE syndrome (CHARGE). Also called: Hittner Hirsch Kreh syndrome; CHARGE ASSOCIATION--COLOBOMA, HEART ANOMALY, CHOANAL ATRESIA, RETARDATION, GENITAL AND EAR ANOMALIES; Coloboma, heart anomaly, choanal atresia, retardation, genital and ear anomalies; CHARGE association; Hall-Hittner syndrome. Identifiers: Orphanet 138, MedGen C0265354, MONDO:0008965.

Submission:

Labcorp Genetics (formerly Invitae), Labcorp
Classification: Uncertain significance for CHARGE syndrome. Last evaluated: 2023-02-17. Review status: criteria provided, single submitter. Criteria: Invitae Variant Classification Sherloc (09022015). Collection method: clinical testing. Allele origin: germline.
Comment: This sequence change replaces aspartic acid, which is acidic and polar, with tyrosine, which is neutral and polar, at codon 2985 of the CHD7 protein (p.Asp2985Tyr). This variant is not present in population databases (gnomAD no frequency). This variant has not been reported in the literature in individuals affected with CHD7-related conditions. Advanced modeling of protein sequence and biophysical properties (such as structural, functional, and spatial information, amino acid conservation, physicochemical variation, residue mobility, and thermodynamic stability) performed at Invitae indicates that this missense variant is not expected to disrupt CHD7 protein function. In summary, the available evidence is currently insufficient to determine the role of this variant in disease. Therefore, it has been classified as a Variant of Uncertain Significance.